The following is an entry in ClinVar:

NM_002224.4(ITPR3):c.6388G>T (p.Asp2130Tyr)

Gene: ITPR3 (inositol 1,4,5-trisphosphate receptor type 3; plus strand). Cytogenetic location: 6p21.31.
Variant type: single nucleotide variant.
Coding change: c.6388G>T on transcript NM_002224.4 (MANE Select); coding-DNA position 6388, G replaced by T.
Protein change: p.Asp2130Tyr; replaces aspartic acid 2130 with tyrosine.
Molecular consequence: missense variant.
Genome position (GRCh38, 1-based): chr6:33,688,251, G>T. VCF-style: chr6-33688251-G-T. GRCh37 (hg19) VCF-style: chr6-33656028-G-T.
Other names: short protein forms D2130Y.
Identifiers: ClinVar variation 3769754 (VCV003769754.1).
Genomic context (GRCh38, chr6:33,688,251, plus strand): 5'-GGGCGTGGGAGCCTGCGCCGGGCGTGACCATGTGCTGTGTGTGCTCAGATTGTGCGGCAG[G>T]ACCGCAGCATGGAGCAGATCGTGTTCCCAGTGCCCGGCATCTGCCAGTTCCTGACGGAGG-3'
Protein context (NP_002215.2, residues 2120-2140): HTSQIEIVRQ[Asp2130Tyr]RSMEQIVFPV

ClinVar aggregate classification (germline): Uncertain significance (1 of 4 stars; one submission).

Submission:

GeneDx
Classification: Uncertain significance. Last evaluated: 2024-09-16. Review status: criteria provided, single submitter. Criteria: GeneDx Variant Classification Process June 2021. Collection method: clinical testing. Allele origin: germline. Affected: yes.
Comment: Not observed at significant frequency in large population cohorts (gnomAD); In silico analysis supports that this missense variant has a deleterious effect on protein structure/function; Has not been previously published as pathogenic or benign to our knowledge